The following is an entry in ClinVar:

NM_004304.5(ALK):c.1060C>T (p.His354Tyr)

Gene: ALK (ALK receptor tyrosine kinase; minus strand). Cytogenetic location: 2p23.2.
Variant type: single nucleotide variant.
Coding change: c.1060C>T on transcript NM_004304.5 (MANE Select); coding-DNA position 1060, C replaced by T.
Protein change: p.His354Tyr; replaces histidine 354 with tyrosine.
Molecular consequence: missense variant.
Genome position (GRCh38, 1-based): chr2:29,532,009, G>A on the plus strand (C>T on the coding strand, the complement: ALK is on the minus strand). VCF-style: chr2-29532009-G-A. GRCh37 (hg19) VCF-style: chr2-29754875-G-A.
Other names: short protein forms H354Y.
Identifiers: ClinVar variation 2718787 (VCV002718787.3), dbSNP rs1490289892, ClinGen allele CA346587360.

ClinVar aggregate classification (germline): Uncertain significance (1 of 4 stars; one submission).

Conditions:
Neuroblastoma, susceptibility to, 3. Also called: ALK-Related Neuroblastic Tumor Susceptibility. Identifiers: Orphanet 635, MedGen C2751681, MONDO:0013083, OMIM 613014.

Submission:

Labcorp Genetics (formerly Invitae), Labcorp
Classification: Uncertain significance for Neuroblastoma, susceptibility to, 3. Last evaluated: 2023-07-25. Review status: criteria provided, single submitter. Criteria: Invitae Variant Classification Sherloc (09022015). Collection method: clinical testing. Allele origin: germline.
Comment: In summary, the available evidence is currently insufficient to determine the role of this variant in disease. Therefore, it has been classified as a Variant of Uncertain Significance. An algorithm developed to predict the effect of missense changes on protein structure and function (PolyPhen-2) suggests that this variant is likely to be tolerated. This variant has not been reported in the literature in individuals affected with ALK-related conditions. This variant is not present in population databases (gnomAD no frequency). This sequence change replaces histidine, which is basic and polar, with tyrosine, which is neutral and polar, at codon 354 of the ALK protein (p.His354Tyr).